The following is an entry in ClinVar:

ClinVar aggregate classification (germline): Uncertain significance (1 of 4 stars; one submission).

Conditions:
Fanconi anemia (FA). Also called: Fanconi's anemia. Identifiers: Orphanet 84, MedGen C0015625, MeSH D005199, MONDO:0019391.

Allele frequency attached by ClinVar (database versions not stated): TOPMed below 0.00001; ExAC 0.00001; gnomAD 0.00001.
gnomAD v4.1: 1 of 1,575,648 alleles (0.000063%); highest among the groups gnomAD compares: Non-Finnish European, 0.000087%; no homozygotes.

Submission:

Labcorp Genetics (formerly Invitae), Labcorp
Classification: Uncertain significance for Fanconi anemia. Last evaluated: 2023-03-31. Review status: criteria provided, single submitter. Criteria: Invitae Variant Classification Sherloc (09022015). Collection method: clinical testing. Allele origin: germline.
Comment: An algorithm developed to predict the effect of missense changes on protein structure and function (PolyPhen-2) suggests that this variant is likely to be tolerated. This sequence change replaces serine, which is neutral and polar, with leucine, which is neutral and non-polar, at codon 381 of the FANCM protein (p.Ser381Leu). This variant is present in population databases (rs765686151, gnomAD 0.0009%). This variant has not been reported in the literature in individuals affected with FANCM-related conditions. ClinVar contains an entry for this variant (Variation ID: 1348733). In summary, the available evidence is currently insufficient to determine the role of this variant in disease. Therefore, it has been classified as a Variant of Uncertain Significance.

NM_020937.4(FANCM):c.1142C>T (p.Ser381Leu)

Gene: FANCM (FA complementation group M; plus strand). Cytogenetic location: 14q21.2.
Variant type: single nucleotide variant.
Coding change: c.1142C>T on transcript NM_020937.4 (MANE Select); coding-DNA position 1142, C replaced by T.
Protein change: p.Ser381Leu; replaces serine 381 with leucine.
Molecular consequence: missense variant.
Genome position (GRCh38, 1-based): chr14:45,154,011, C>T. VCF-style: chr14-45154011-C-T. GRCh37 (hg19) VCF-style: chr14-45623214-C-T.
Other names: c.1064C>T, p.Ser355Leu (NM_001308133.2); c.1142C>T, p.Ser381Leu (NM_001308134.2); short protein forms S381L, S355L.
Identifiers: ClinVar variation 1348733 (VCV001348733.8), dbSNP rs765686151, ClinGen allele CA7168943.